The following is an entry in ClinVar:

ClinVar aggregate classification (germline): Uncertain significance. Review status: criteria provided, multiple submitters, no conflicts (2 of 4 stars). 2 submissions from 2 submitters: Uncertain significance (2). Last evaluated 2026-02-23.

Conditions:
Malignant hyperthermia, susceptibility to, 1 (MHS1). Also called: RYR1-Related Malignant Hyperthermia Susceptibility; Anesthesia related hyperthermia; Malignant hyperpyrexia; Fulminating hyperpyrexia; Pharmacogenic myopathy; Malignant hyperthermia suceptibility 1. Identifiers: Orphanet 423, MedGen C2930980, MONDO:0007783, OMIM 145600.

Submissions (2):

GeneDx
Classification: Uncertain significance. Last evaluated: 2026-02-23. Review status: criteria provided, single submitter. Criteria: GeneDx Variant Classification Process June 2021. Collection method: clinical testing. Allele origin: germline.
Comment: Not observed at significant frequency in large population cohorts (gnomAD); In silico analysis supports that this missense variant has a deleterious effect on protein structure/function; Has not been previously published as pathogenic or benign to our knowledge

Color Diagnostics, LLC DBA Color Health
Classification: Uncertain significance for Malignant hyperthermia, susceptibility to, 1. Last evaluated: 2025-09-22. Review status: criteria provided, single submitter. Criteria: ACMG Guidelines, 2015. Collection method: clinical testing. Allele origin: germline.
Comment: This missense variant replaces phenylalanine with serine at codon 1138 of the RYR1 protein. Computational prediction is inconclusive regarding the impact of this variant on protein structure and function. To our knowledge, functional studies have not been reported for this variant. This variant has not been reported in individuals affected with RYR1-related disorders in the literature. This variant has not been identified in the general population by the Genome Aggregation Database (gnomAD). The available evidence is insufficient to determine the role of this variant in disease conclusively. Therefore, this variant is classified as a Variant of Uncertain Significance.

NM_000540.3(RYR1):c.3413T>C (p.Phe1138Ser)

Gene: RYR1 (ryanodine receptor 1; plus strand). Cytogenetic location: 19q13.2.
Variant type: single nucleotide variant.
Coding change: c.3413T>C on transcript NM_000540.3 (MANE Select); coding-DNA position 3413, T replaced by C.
Protein change: p.Phe1138Ser; replaces phenylalanine 1138 with serine.
Molecular consequence: missense variant.
Genome position (GRCh38, 1-based): chr19:38,468,997, T>C. VCF-style: chr19-38468997-T-C. GRCh37 (hg19) VCF-style: chr19-38959637-T-C.
Other names: c.3413T>C, p.Phe1138Ser (NM_001042723.2); short protein forms F1138S.
Identifiers: ClinVar variation 4756572 (VCV004756572.2).